The following is an entry in ClinVar:

ClinVar aggregate classification (germline): Benign. Review status: criteria provided, multiple submitters, no conflicts (2 of 4 stars). 7 submissions from 7 submitters: Benign (7). Last evaluated 2026-02-04.

Conditions:
Autosomal dominant nonsyndromic hearing loss 4A. Also called: Deafness, autosomal dominant 4A. Identifiers: Orphanet 90635, MedGen C1833503, MONDO:0010915, OMIM 600652.

Allele frequency attached by ClinVar (database versions not stated): TOPMed 0.15528; gnomAD exomes 0.16670; 1000 Genomes Project 30x 0.18442; 1000 Genomes Project 0.18790; ExAC 0.23240; gnomAD 0.15250 and 0.14959; ESP Exome Variant Server 0.11397.
gnomAD v4.1: 232,469 of 1,547,002 alleles (15%); highest among the groups gnomAD compares: East Asian, 22%; 17,969 homozygotes.

Submissions (7):

Labcorp Genetics (formerly Invitae), Labcorp
Classification: Benign. Last evaluated: 2026-02-04. Review status: criteria provided, single submitter. Criteria: Invitae Variant Classification Sherloc (09022015). Collection method: clinical testing. Allele origin: germline.

Mayo Clinic Laboratories, Mayo Clinic
Classification: Benign. Last evaluated: 2020-12-04. Review status: criteria provided, single submitter. Criteria: ACMG Guidelines, 2015. Collection method: clinical testing. Allele origin: germline. Observed: 388 variant alleles.

Illumina Laboratory Services, Illumina
Classification: Benign for Autosomal dominant nonsyndromic hearing loss 4A. Last evaluated: 2018-01-12. Review status: criteria provided, single submitter. Criteria: ICSL Variant Classification Criteria 13 December 2019. Collection method: clinical testing. Allele origin: germline.
Comment: This variant was observed in the ICSL laboratory as part of a predisposition screen in an ostensibly healthy population. It had not been previously curated by ICSL or reported in the Human Gene Mutation Database (HGMD: prior to June 1st, 2018), and was therefore a candidate for classification through an automated scoring system. Utilizing variant allele frequency, disease prevalence and penetrance estimates, and inheritance mode, an automated score was calculated to assess if this variant is too frequent to cause the disease. Based on the score and internal cut-off values, a variant classified as benign is not then subjected to further curation. The score for this variant resulted in a classification of benign for this disease.

GeneDx
Classification: Benign. Last evaluated: 2017-05-09. Review status: criteria provided, single submitter. Criteria: GeneDx Variant Classification (06012015). Collection method: clinical testing. Allele origin: germline. Affected: yes.
Comment: This variant is considered likely benign or benign based on one or more of the following criteria: it is a conservative change, it occurs at a poorly conserved position in the protein, it is predicted to be benign by multiple in silico algorithms, and/or has population frequency not consistent with disease.

Laboratory for Molecular Medicine, Mass General Brigham Personalized Medicine
Classification: Benign. Last evaluated: 2012-04-30. Review status: criteria provided, single submitter. Criteria: LMM Criteria. Collection method: clinical testing. Allele origin: germline. Observed: 463 variant alleles.
Comment: Pro31Thr in Exon 02 of MYH14: This variant is not expected to have clinical sign ificance because it has been identified in 11.1% (573/5178) of European American chromosomes from a broad population by the NHLBI Exome Sequencing Project (dbSNP rs590722).

Breakthrough Genomics
Classification: Benign. Review status: criteria provided, single submitter. Criteria: ACMG Guidelines, 2015. Collection method: not provided. Allele origin: germline. Inheritance: Autosomal dominant inheritance. Affected: yes.

PreventionGenetics, part of Exact Sciences
Classification: Benign. Review status: criteria provided, single submitter. Criteria: ACMG Guidelines, 2015. Collection method: clinical testing. Allele origin: germline.

NM_001145809.2(MYH14):c.91C>A (p.Pro31Thr)

Gene: MYH14 (myosin heavy chain 14; plus strand). Cytogenetic location: 19q13.33.
Variant type: single nucleotide variant.
Coding change: c.91C>A on transcript NM_001145809.2 (MANE Select); coding-DNA position 91, C replaced by A.
Protein change: p.Pro31Thr; replaces proline 31 with threonine.
Molecular consequence: missense variant.
Genome position (GRCh38, 1-based): chr19:50,210,456, C>A. VCF-style: chr19-50210456-C-A. GRCh37 (hg19) VCF-style: chr19-50713713-C-A.
Other names: c.91C>A, p.Pro31Thr (NM_001077186.2, NM_024729.4); short protein forms P31T.
Identifiers: ClinVar variation 44081 (VCV000044081.18), dbSNP rs590722, ClinGen allele CA133520.
Genomic context (GRCh38, chr19:50,210,456, plus strand): 5'-CGGAAGGCGCCCCCCAGGCCGGGCCCAGTGCCCGAGGCGGCCCAGCCGTTCCTGTTCACG[C>A]CCCGCGGGCCCAGCGCGGGTGGCGGGCCTGGCTCGGGCACCTCCCCGCAGGTGGAGTGGA-3'
Protein context (NP_001139281.1, residues 21-41): PEAAQPFLFT[Pro31Thr]RGPSAGGGPG